The following is an entry in ClinVar:

NM_022051.3(EGLN1):c.102C>G (p.Ser34Arg)

Gene: EGLN1 (egl-9 family hypoxia inducible factor 1; minus strand). Cytogenetic location: 1q42.2.
Variant type: single nucleotide variant.
Coding change: c.102C>G on transcript NM_022051.3 (MANE Select); coding-DNA position 102, C replaced by G.
Protein change: p.Ser34Arg; replaces serine 34 with arginine.
Molecular consequence: missense variant.
Genome position (GRCh38, 1-based): chr1:231,421,787, G>C on the plus strand (C>G on the coding strand, the complement: EGLN1 is on the minus strand). VCF-style: chr1-231421787-G-C. GRCh37 (hg19) VCF-style: chr1-231557533-G-C.
Other names: c.102C>G, p.Ser34Arg (NM_001377260.1, NM_001377261.1); short protein forms S34R.
Identifiers: ClinVar variation 1770648 (VCV001770648.5), dbSNP rs1378168672, ClinGen allele CA345239035.

ClinVar aggregate classification (germline): Uncertain significance. Review status: criteria provided, multiple submitters, no conflicts (2 of 4 stars). 2 submissions from 2 submitters: Uncertain significance (2). Last evaluated 2025-11-02.

Conditions:
Erythrocytosis, familial, 3 (ECYT3). Identifiers: Orphanet 247511, MedGen C1853286, MONDO:0012353, OMIM 609820.

Allele frequency attached by ClinVar (database versions not stated): gnomAD 0.00001.
gnomAD v4.1: 4 of 1,558,184 alleles (0.00026%); highest among the groups gnomAD compares: African/African-American, 0.0014%; no homozygotes.

Submissions (2):

Ambry Genetics
Classification: Uncertain significance. Last evaluated: 2025-11-02. Review status: criteria provided, single submitter. Criteria: Ambry Variant Classification Scheme 2023. Collection method: clinical testing. Allele origin: germline.
Comment: The p.S34R variant (also known as c.102C>G), located in coding exon 1 of the EGLN1 gene, results from a C to G substitution at nucleotide position 102. The serine at codon 34 is replaced by arginine, an amino acid with dissimilar properties. This amino acid position is conserved. In addition, this alteration is predicted to be tolerated by in silico analysis. Since supporting evidence is limited at this time, the clinical significance of this alteration remains unclear.

Labcorp Genetics (formerly Invitae), Labcorp
Classification: Uncertain significance for Erythrocytosis, familial, 3. Last evaluated: 2025-05-21. Review status: criteria provided, single submitter. Criteria: Invitae Variant Classification Sherloc (09022015). Collection method: clinical testing. Allele origin: germline.
Comment: This sequence change replaces serine, which is neutral and polar, with arginine, which is basic and polar, at codon 34 of the EGLN1 protein (p.Ser34Arg). This variant is not present in population databases (gnomAD no frequency). This variant has not been reported in the literature in individuals affected with EGLN1-related conditions. ClinVar contains an entry for this variant (Variation ID: 1770648). An algorithm developed to predict the effect of missense changes on protein structure and function (PolyPhen-2) suggests that this variant is likely to be disruptive. In summary, the available evidence is currently insufficient to determine the role of this variant in disease. Therefore, it has been classified as a Variant of Uncertain Significance.